The following is an entry in ClinVar:

ClinVar aggregate classification (germline): Benign/Likely benign. Review status: criteria provided, multiple submitters, no conflicts (2 of 4 stars). 7 submissions from 7 submitters: Benign (4); Likely benign (3). Last evaluated 2026-01-19.

Conditions:
SYNE2-related disorder. Also called: SYNE2-related condition.
Emery-Dreifuss muscular dystrophy 5, autosomal dominant (EDMD5). Also called: EMERY-DREIFUSS MUSCULAR DYSTROPHY 5. Identifiers: Orphanet 261, MedGen C2751805, MONDO:0013072, OMIM 612999.

Allele frequency attached by ClinVar (database versions not stated): ESP Exome Variant Server 0.00077; 1000 Genomes Project 30x 0.00078; TOPMed 0.00082; 1000 Genomes Project 0.00100; gnomAD exomes 0.00149 and 0.00214; gnomAD 0.00181 and 0.00182; ExAC 0.00223.
gnomAD v4.1: 2,431 of 1,613,772 alleles (0.15%); highest among the groups gnomAD compares: Middle Eastern, 0.17%; 4 homozygotes.

Submissions (7):

Labcorp Genetics (formerly Invitae), Labcorp
Classification: Benign for Emery-Dreifuss muscular dystrophy 5, autosomal dominant. Last evaluated: 2026-01-19. Review status: criteria provided, single submitter. Criteria: Invitae Variant Classification Sherloc (09022015). Collection method: clinical testing. Allele origin: germline.

PreventionGenetics, part of Exact Sciences
Classification: Likely benign for SYNE2-related condition. Last evaluated: 2025-01-23. Review status: criteria provided, single submitter. Criteria: ACMG Guidelines, 2015. Collection method: clinical testing. Allele origin: germline.
Comment: This variant is classified as likely benign based on ACMG/AMP sequence variant interpretation guidelines (Richards et al. 2015 PMID: 25741868, with internal and published modifications).

Blueprint Genetics
Classification: Likely benign. Last evaluated: 2024-11-18. Review status: criteria provided, single submitter. Criteria: ACMG Guidelines, 2015. Collection method: clinical testing. Allele origin: germline.

CeGaT Center for Human Genetics Tuebingen
Classification: Likely benign. Last evaluated: 2023-09-01. Review status: criteria provided, single submitter. Criteria: CeGaT Center For Human Genetics Tuebingen Variant Classification Criteria Version 2. Collection method: clinical testing. Allele origin: germline. Affected: yes. Observed: 4 variant alleles.
Comment: SYNE2: BP4, BS1

Illumina Laboratory Services, Illumina
Classification: Benign for Emery-Dreifuss muscular dystrophy 5, autosomal dominant. Last evaluated: 2018-01-12. Review status: criteria provided, single submitter. Criteria: ICSL Variant Classification Criteria 13 December 2019. Collection method: clinical testing. Allele origin: germline.
Comment: This variant was observed in the ICSL laboratory as part of a predisposition screen in an ostensibly healthy population. It had not been previously curated by ICSL or reported in the Human Gene Mutation Database (HGMD: prior to June 1st, 2018), and was therefore a candidate for classification through an automated scoring system. Utilizing variant allele frequency, disease prevalence and penetrance estimates, and inheritance mode, an automated score was calculated to assess if this variant is too frequent to cause the disease. Based on the score and internal cut-off values, a variant classified as benign is not then subjected to further curation. The score for this variant resulted in a classification of benign for this disease.

Eurofins Ntd Llc (ga)
Classification: Benign. Last evaluated: 2014-12-11. Review status: criteria provided, single submitter. Criteria: EGL Classification Definitions 2015. Collection method: clinical testing. Allele origin: germline. Observed: 1 variant allele, 1 heterozygote.

Breakthrough Genomics
Classification: Benign. Review status: criteria provided, single submitter. Criteria: ACMG Guidelines, 2015. Collection method: not provided. Allele origin: germline. Inheritance: Autosomal dominant inheritance. Affected: yes.

NM_182914.3(SYNE2):c.20197G>A (p.Glu6733Lys)

Gene: SYNE2 (spectrin repeat containing nuclear envelope protein 2; plus strand). Cytogenetic location: 14q23.2.
Variant type: single nucleotide variant.
Coding change: c.20197G>A on transcript NM_182914.3 (MANE Select); coding-DNA position 20197, G replaced by A.
Protein change: p.Glu6733Lys; replaces glutamic acid 6733 with lysine.
Molecular consequence: missense variant.
Genome position (GRCh38, 1-based): chr14:64,223,195, G>A. VCF-style: chr14-64223195-G-A. GRCh37 (hg19) VCF-style: chr14-64689913-G-A.
Other names: c.20128G>A, p.Glu6710Lys (NM_015180.6); c.763G>A, p.Glu255Lys (NM_182910.2); c.1141G>A, p.Glu381Lys (NM_182913.4); short protein forms E6733K, E255K, E381K, E6710K.
Identifiers: ClinVar variation 193955 (VCV000193955.47), dbSNP rs150172232, ClinGen allele CA200880.